The following is an entry in ClinVar:

ClinVar aggregate classification (germline): Conflicting classifications of pathogenicity. Review status: criteria provided, conflicting classifications (1 of 4 stars). 2 submissions from 2 submitters: Uncertain significance (1); Likely benign (1). Last evaluated 2025-08-05.

Allele frequency attached by ClinVar (database versions not stated): TOPMed 0.00002; ExAC 0.00018; 1000 Genomes Project 30x 0.00094; 1000 Genomes Project 0.00120.
gnomAD v4.1: 124 of 1,612,028 alleles (0.0077%); highest among the groups gnomAD compares: South Asian, 0.12%; 1 homozygote.

Submissions (2):

Ambry Genetics
Classification: Uncertain significance. Last evaluated: 2025-08-05. Review status: criteria provided, single submitter. Criteria: Ambry Variant Classification Scheme 2023. Collection method: clinical testing. Allele origin: germline.

CeGaT Center for Human Genetics Tuebingen
Classification: Likely benign. Last evaluated: 2024-05-01. Review status: criteria provided, single submitter. Criteria: CeGaT Center For Human Genetics Tuebingen Variant Classification Criteria Version 2. Collection method: clinical testing. Allele origin: germline. Affected: yes. Observed: 1 variant allele.
Comment: RHAG: BP4, BS2

NM_000324.3(RHAG):c.1165G>C (p.Gly389Arg)

Gene: RHAG (Rh associated glycoprotein; minus strand). Cytogenetic location: 6p12.3.
Variant type: single nucleotide variant.
Coding change: c.1165G>C on transcript NM_000324.3 (MANE Select); coding-DNA position 1165, G replaced by C.
Protein change: p.Gly389Arg; replaces glycine 389 with arginine.
Molecular consequence: missense variant.
Genome position (GRCh38, 1-based): chr6:49,606,895, C>G on the plus strand (G>C on the coding strand, the complement: RHAG is on the minus strand). VCF-style: chr6-49606895-C-G. GRCh37 (hg19) VCF-style: chr6-49574608-C-G.
Other names: short protein forms G389R.
Identifiers: ClinVar variation 3239107 (VCV003239107.20), dbSNP rs553258732.
Genomic context (GRCh38, chr6:49,606,895, plus strand): 5'-TACTGTACAGTACCTTCCAATAAACAGAATCATCATAGCAGTTCTGGTCAGATGGCTGTC[C>G]CCAGAGAGGCAACTTTAGAATTAAACCTGTGACGGTAGAGGGAAAATGAGTCATGTTGTG-3'
Protein context (NP_000315.2, residues 379-399): TGLILKLPLW[Gly389Arg]QPSDQNCYDD